The following is an entry in ClinVar:

ClinVar aggregate classification (germline): Uncertain significance (1 of 4 stars; one submission).

Submission:

Labcorp Genetics (formerly Invitae), Labcorp
Classification: Uncertain significance. Last evaluated: 2025-12-11. Review status: criteria provided, single submitter. Criteria: Invitae Variant Classification Sherloc (09022015). Collection method: clinical testing. Allele origin: germline.
Comment: This variant, c.3097_3105del, results in the deletion of 3 amino acid(s) of the NRIP1 protein (p.Cys1033_Met1035del), but otherwise preserves the integrity of the reading frame. This variant is not present in population databases (gnomAD no frequency). This variant has not been reported in the literature in individuals affected with NRIP1-related conditions. Experimental studies and prediction algorithms are not available or were not evaluated, and the functional significance of this variant is currently unknown. In summary, the available evidence is currently insufficient to determine the role of this variant in disease. Therefore, it has been classified as a Variant of Uncertain Significance.

NM_003489.4(NRIP1):c.3097_3105del (p.Cys1033_Met1035del)

Gene: NRIP1 (nuclear receptor interacting protein 1; minus strand). Cytogenetic location: 21q11.2.
Variant type: Deletion.
Coding change: c.3097_3105del on transcript NM_003489.4 (MANE Select); coding-DNA positions 3097 to 3105, 9 bases deleted (TGTTCCATG; older notation c.3097_3105delTGTTCCATG).
Protein change: p.Cys1033_Met1035del.
Molecular consequence: inframe deletion.
Genome position (GRCh38, 1-based): chr21:14,965,088-14,965,096, CATGGAACA deleted on the plus strand (TGTTCCATG on the coding strand, the reverse complement: NRIP1 is on the minus strand); deleting any 9 consecutive bases within chr21:14,965,088-14,965,097 gives the same sequence; the c. name uses the placement nearest the transcript's 3' end. VCF-style (leftmost placement, unchanged base first): chr21-14965087-GCATGGAACA-G. GRCh37 (hg19) VCF-style: chr21-16337408-GCATGGAACA-G.
Other names: c.3097_3105del, p.Cys1033_Met1035del (NM_001439275.1, NM_001439276.1, NM_001439277.1 and 10 more transcripts).
Identifiers: ClinVar variation 4732564 (VCV004732564.1).